The following is an entry in ClinVar:

NM_025114.4(CEP290):c.4590del (p.Lys1530fs)

Gene: CEP290 (centrosomal protein 290; minus strand). Cytogenetic location: 12q21.32.
Variant type: Deletion.
Coding change: c.4590del on transcript NM_025114.4 (MANE Select); coding-DNA position 4590, one base deleted (A; older notation c.4590delA).
Protein change: p.Lys1530fs; shifts the reading frame from lysine 1530.
Molecular consequence: frameshift variant.
Genome position (GRCh38, 1-based): chr12:88,084,700, T deleted on the plus strand (A on the coding strand, the reverse complement: CEP290 is on the minus strand); the first of 4 consecutive T bases (chr12:88,084,700-88,084,703); deleting any one gives the same sequence. VCF-style (leftmost placement, unchanged base first): chr12-88084699-AT-A. GRCh37 (hg19) VCF-style: chr12-88478476-AT-A.
Other names: NM_025114.3:c.4590del (p.Lys1530AsnfsTer6); short protein forms K1530fs.
Identifiers: ClinVar variation 4975020 (VCV004975020.1).

ClinVar aggregate classification (germline): Likely pathogenic (1 of 4 stars; one submission).

Conditions:
Joubert syndrome 5 (JBTS5). Identifiers: Orphanet 2318, MedGen C1857780, MONDO:0012432, OMIM 610188.

Submission:

Umrani?ye Training and Research Hospital
Classification: Likely pathogenic for Joubert syndrome 5. Last evaluated: 2026-09-12. Review status: criteria provided, single submitter. Criteria: ACMG Guidelines, 2015. Collection method: clinical testing. Allele origin: germline. Affected: no. Observed: 1 variant allele.
Comment: Reassessed 2026-09-12 under ACMG/AMP 2015 with ClinGen SVI recommendations and the ClinGen LCA/early-onset Retinal Dystrophy VCEP, CEP290 v1.0. Criteria met: PVS1, PM2_Supporting. gnomAD v4.1: Absent.